The following is an entry in ClinVar:

NM_005199.5(CHRNG):c.*77T>C

Genes: CHRNG (cholinergic receptor nicotinic gamma subunit; plus strand), TIGD1 (tigger transposable element derived 1; minus strand). Cytogenetic location: 2q37.1.
Variant type: single nucleotide variant.
Coding change: c.*77T>C on transcript NM_005199.5 (MANE Select); 77 bases downstream of the stop codon, T replaced by C.
Molecular consequence: 3 prime UTR variant.
Genome position (GRCh38, 1-based): chr2:232,545,793, T>C. VCF-style: chr2-232545793-T-C. GRCh37 (hg19) VCF-style: chr2-233410503-T-C.
Identifiers: ClinVar variation 335017 (VCV000335017.7), dbSNP rs11690038, ClinGen allele CA10614596.

ClinVar aggregate classification (germline): Benign/Likely benign. Review status: criteria provided, multiple submitters, no conflicts (2 of 4 stars). 2 submissions from 2 submitters: Benign (1); Likely benign (1). Last evaluated 2018-01-12.

Conditions:
Lethal multiple pterygium syndrome (LMPS). Identifiers: Orphanet 33108, MedGen C1854678, MONDO:0009668, OMIM 253290.

Allele frequency attached by ClinVar (database versions not stated): gnomAD 0.02138 and 0.02304; TOPMed 0.02455; 1000 Genomes Project 30x 0.03545; 1000 Genomes Project 0.03994.
gnomAD v4.1: 35,399 of 1,512,122 alleles (2.3%); highest among the groups gnomAD compares: East Asian, 11%; 764 homozygotes.

Submissions (2):

Illumina Laboratory Services, Illumina
Classification: Benign for Lethal multiple pterygium syndrome. Last evaluated: 2018-01-12. Review status: criteria provided, single submitter. Criteria: ICSL Variant Classification Criteria 13 December 2019. Collection method: clinical testing. Allele origin: germline.
Comment: This variant was observed in the ICSL laboratory as part of a predisposition screen in an ostensibly healthy population. It had not been previously curated by ICSL or reported in the Human Gene Mutation Database (HGMD: prior to June 1st, 2018), and was therefore a candidate for classification through an automated scoring system. Utilizing variant allele frequency, disease prevalence and penetrance estimates, and inheritance mode, an automated score was calculated to assess if this variant is too frequent to cause the disease. Based on the score and internal cut-off values, a variant classified as benign is not then subjected to further curation. The score for this variant resulted in a classification of benign for this disease.

Breakthrough Genomics
Classification: Likely benign. Review status: criteria provided, single submitter. Criteria: ACMG Guidelines, 2015. Collection method: not provided. Allele origin: germline. Inheritance: Autosomal recessive inheritance. Affected: yes.